The following is an entry in ClinVar:

ClinVar aggregate classification (germline): Uncertain significance (1 of 4 stars; one submission).

Conditions:
Noonan syndrome 9 (NS9). Identifiers: Orphanet 648, MedGen C4225282, MONDO:0014691, OMIM 616559.

Allele frequency attached by ClinVar (database versions not stated): gnomAD exomes below 0.00001.
gnomAD v4.1: 1 of 1,593,740 alleles (0.000063%); highest among the groups gnomAD compares: Non-Finnish European, 0.000085%; no homozygotes.

Submission:

Labcorp Genetics (formerly Invitae), Labcorp
Classification: Uncertain significance for Noonan syndrome 9. Last evaluated: 2021-11-05. Review status: criteria provided, single submitter. Criteria: Invitae Variant Classification Sherloc (09022015). Collection method: clinical testing. Allele origin: germline.
Comment: In summary, the available evidence is currently insufficient to determine the role of this variant in disease. Therefore, it has been classified as a Variant of Uncertain Significance. Algorithms developed to predict the effect of missense changes on protein structure and function (SIFT, PolyPhen-2, Align-GVGD) all suggest that this variant is likely to be tolerated. This variant has not been reported in the literature in individuals affected with SOS2-related conditions. This variant is not present in population databases (gnomAD no frequency). This sequence change replaces proline, which is neutral and non-polar, with leucine, which is neutral and non-polar, at codon 1026 of the SOS2 protein (p.Pro1026Leu).

NM_006939.4(SOS2):c.3077C>T (p.Pro1026Leu)

Gene: SOS2 (SOS Ras/Rho guanine nucleotide exchange factor 2; minus strand). Cytogenetic location: 14q21.3.
Variant type: single nucleotide variant.
Coding change: c.3077C>T on transcript NM_006939.4 (MANE Select); coding-DNA position 3077, C replaced by T.
Protein change: p.Pro1026Leu; replaces proline 1026 with leucine.
Molecular consequence: missense variant.
Genome position (GRCh38, 1-based): chr14:50,130,761, G>A on the plus strand (C>T on the coding strand, the complement: SOS2 is on the minus strand). VCF-style: chr14-50130761-G-A. GRCh37 (hg19) VCF-style: chr14-50597479-G-A.
Other names: short protein forms P1026L.
Identifiers: ClinVar variation 1496543 (VCV001496543.6), dbSNP rs2139513281, ClinGen allele CA389641037.
Genomic context (GRCh38, chr14:50,130,761, plus strand): 5'-CCATGTCGGCCTGTGTTAGGCCTTATTCCAGGAGATTTTAAGGAAAAAGTTGATTTCCTA[G>A]GCTGAGAAAAGCAAACATAATTAATGTCACAAATTTGCATAGACAACAATTTGTTTCTGT-3'
Protein context (NP_008870.2, residues 1016-1036): PRNCKQPPRF[Pro1026Leu]RKSTFSLKSP